The following is an entry in ClinVar:

NM_002693.3(POLG):c.3695A>G (p.Glu1232Gly)

Genes: FANCI (FA complementation group I; plus strand), POLG (DNA polymerase gamma, catalytic subunit; minus strand). Cytogenetic location: 15q26.1.
Variant type: single nucleotide variant.
Coding change: c.3695A>G on transcript NM_002693.3 (MANE Select); coding-DNA position 3695, A replaced by G.
Protein change: p.Glu1232Gly; replaces glutamic acid 1232 with glycine.
Molecular consequence: missense variant. On other transcripts: 3 prime UTR variant (4).
Genome position (GRCh38, 1-based): chr15:89,316,776, T>C on the plus strand (A>G on the coding strand, the complement: POLG is on the minus strand). VCF-style: chr15-89316776-T-C. GRCh37 (hg19) VCF-style: chr15-89860007-T-C.
Other names: c.3695A>G, p.Glu1232Gly (NM_001126131.2); c.*317T>C (NM_001113378.2, NM_001376910.1, NM_001376911.1 and 1 more transcripts); short protein forms E1232G.
Identifiers: ClinVar variation 2907671 (VCV002907671.3), dbSNP rs2509155741, ClinGen allele CA393746866.
Genomic context (GRCh38, chr15:89,316,776, plus strand): 5'-CTCCACGGGAGCAAATACAGAGCCTCCAGGCAGTGCTATGGTCCAGGCTGGCTTCGTTTT[T>C]CCAAGGAGCCTTTGGTGAGTTCAATTATCTGGTAAATATCCAGCGCTTCACCTGAAAGAT-3'
Protein context (NP_002684.1, residues 1222-1239): QIIELTKGSL[Glu1232Gly]KRSQPGP

ClinVar aggregate classification (germline): Uncertain significance (1 of 4 stars; one submission).

Conditions:
Progressive sclerosing poliodystrophy (MTDPS4A). Also called: ALPERS PROGRESSIVE INFANTILE POLIODYSTROPHY; NEURONAL DEGENERATION OF CHILDHOOD WITH LIVER DISEASE, PROGRESSIVE; Mitochondrial DNA depletion syndrome 4A (Alpers type); Alpers Syndrome; ALPERS DIFFUSE DEGENERATION OF CEREBRAL GRAY MATTER WITH HEPATIC CIRRHOSIS; Alpers-Huttenlocher Syndrome. Identifiers: Orphanet 726, MedGen C0205710, MONDO:0008758, OMIM 203700.

Submission:

Labcorp Genetics (formerly Invitae), Labcorp
Classification: Uncertain significance for Progressive sclerosing poliodystrophy. Last evaluated: 2023-09-11. Review status: criteria provided, single submitter. Criteria: Invitae Variant Classification Sherloc (09022015). Collection method: clinical testing. Allele origin: germline.
Comment: This variant has not been reported in the literature in individuals affected with POLG-related conditions. Advanced modeling of protein sequence and biophysical properties (such as structural, functional, and spatial information, amino acid conservation, physicochemical variation, residue mobility, and thermodynamic stability) performed at Invitae indicates that this missense variant is not expected to disrupt POLG protein function. In summary, the available evidence is currently insufficient to determine the role of this variant in disease. Therefore, it has been classified as a Variant of Uncertain Significance. This variant is not present in population databases (gnomAD no frequency). This sequence change replaces glutamic acid, which is acidic and polar, with glycine, which is neutral and non-polar, at codon 1232 of the POLG protein (p.Glu1232Gly).